The following is an entry in ClinVar:

ClinVar aggregate classification (germline): Conflicting classifications of pathogenicity. Review status: criteria provided, conflicting classifications (1 of 4 stars). 3 submissions from 3 submitters: Uncertain significance (1); Likely benign (1). 1 of the submissions does not count toward it. Last evaluated 2024-12-03.

Conditions:
CUBN-related disorder. Also called: CUBN-related condition.
Imerslund-Grasbeck syndrome. Also called: Megaloblastic anemia due to inborn errors of metabolism; Imerslund-Gräsbeck syndrome; ENTEROCYTE COBALAMIN MALABSORPTION; ENTEROCYTE INTRINSIC FACTOR RECEPTOR, DEFECT OF; PERNICIOUS ANEMIA, JUVENILE, DUE TO SELECTIVE INTESTINAL MALABSORPTION OF VITAMIN B12, WITH PROTEINURIA. Identifiers: Orphanet 35858, MedGen C4551825, MONDO:0009853.
Imerslund-Grasbeck syndrome type 1 (IGS1). Also called: Megaloblastic anemia 1, Finnish type; MEGALOBLASTIC ANEMIA, 1; Imerslund-Gräsbeck syndrome 1. Identifiers: MedGen C4016819, MONDO:0100156, OMIM 261100.

Allele frequency attached by ClinVar (database versions not stated): ExAC 0.00011; TOPMed 0.00011; gnomAD 0.00018 and 0.00019; ESP Exome Variant Server 0.00031.
gnomAD v4.1: 422 of 1,612,922 alleles (0.026%); highest among the groups gnomAD compares: Non-Finnish European, 0.032%; no homozygotes.

Submissions (3):

Labcorp Genetics (formerly Invitae), Labcorp
Classification: Likely benign for Imerslund-Grasbeck syndrome. Last evaluated: 2024-12-03. Review status: criteria provided, single submitter. Criteria: Invitae Variant Classification Sherloc (09022015). Collection method: clinical testing. Allele origin: germline.

Illumina Laboratory Services, Illumina
Classification: Uncertain significance for Imerslund-Grasbeck syndrome type 1. Last evaluated: 2018-01-12. Review status: criteria provided, single submitter. Criteria: ICSL Variant Classification Criteria 13 December 2019. Collection method: clinical testing. Allele origin: germline.

PreventionGenetics, part of Exact Sciences
Classification: Likely benign for CUBN-related condition. Last evaluated: 2021-04-15. Review status: no assertion criteria provided. Collection method: clinical testing. Allele origin: germline. Not counted in ClinVar's aggregate classification.
Comment: This variant is classified as likely benign based on ACMG/AMP sequence variant interpretation guidelines (Richards et al. 2015 PMID: 25741868, with internal and published modifications).

NM_001081.4(CUBN):c.8412T>C (p.Gly2804=)

Gene: CUBN (cubilin; minus strand). Cytogenetic location: 10p13.
Variant type: single nucleotide variant.
Coding change: c.8412T>C on transcript NM_001081.4 (MANE Select); coding-DNA position 8412, T replaced by C.
Protein change: p.Gly2804=; no amino-acid change (glycine 2804 retained).
Molecular consequence: synonymous variant.
Genome position (GRCh38, 1-based): chr10:16,899,182, A>G on the plus strand (T>C on the coding strand, the complement: CUBN is on the minus strand). VCF-style: chr10-16899182-A-G. GRCh37 (hg19) VCF-style: chr10-16941181-A-G.
Identifiers: ClinVar variation 299403 (VCV000299403.14), dbSNP rs139990077, ClinGen allele CA5423026.